The following is an entry in ClinVar:

ClinVar aggregate classification (germline): Uncertain significance (1 of 4 stars; one submission).

Conditions:
Generalized epilepsy-paroxysmal dyskinesia syndrome (PNKD3). Also called: Generalized epilepsy and paroxysmal dyskinesia; Paroxysmal nonkinesigenic dyskinesia, 3, with or without generalized epilepsy. Identifiers: Orphanet 79137, MedGen C5574945, MONDO:0012276, OMIM 609446.

Allele frequency attached by ClinVar (database versions not stated): gnomAD 0.00001; gnomAD exomes 0.00001; TOPMed 0.00001.
gnomAD v4.1: 10 of 1,613,290 alleles (0.00062%); highest among the groups gnomAD compares: Non-Finnish European, 0.00085%; no homozygotes.

Submission:

Labcorp Genetics (formerly Invitae), Labcorp
Classification: Uncertain significance for Generalized epilepsy-paroxysmal dyskinesia syndrome. Last evaluated: 2021-07-02. Review status: criteria provided, single submitter. Criteria: Invitae Variant Classification Sherloc (09022015). Collection method: clinical testing. Allele origin: germline.
Comment: Nucleotide substitutions within the consensus splice site are a relatively common cause of aberrant splicing (PMID: 17576681, 9536098). Algorithms developed to predict the effect of sequence changes on RNA splicing suggest that this variant is not likely to affect RNA splicing, but this prediction has not been confirmed by published transcriptional studies. This variant has not been reported in the literature in individuals with KCNMA1-related conditions. This variant is not present in population databases (ExAC no frequency). This sequence change falls in intron 24 of the KCNMA1 gene. It does not directly change the encoded amino acid sequence of the KCNMA1 protein. It affects a nucleotide within the consensus splice site of the intron. In summary, the available evidence is currently insufficient to determine the role of this variant in disease. Therefore, it has been classified as a Variant of Uncertain Significance.

Literature cited by the submitters: PubMed 17576681; PubMed 9536098.

NM_001161352.2(KCNMA1):c.3147+3G>A

Genes: KCNMA1 (potassium calcium-activated channel subfamily M alpha 1; minus strand), KCNMA1-AS1 (KCNMA1 antisense RNA 1; plus strand). Cytogenetic location: 10q22.3.
Variant type: single nucleotide variant.
Coding change: c.3147+3G>A on transcript NM_001161352.2 (MANE Select); 3 bases into the intron after coding-DNA position 3147, G replaced by A.
Molecular consequence: intron variant.
Genome position (GRCh38, 1-based): chr10:76,909,963, C>T on the plus strand (G>A on the coding strand, the complement: KCNMA1 is on the minus strand). VCF-style: chr10-76909963-C-T. GRCh37 (hg19) VCF-style: chr10-78669721-C-T.
Other names: c.2823+3G>A (NM_001271518.2); c.2973+3G>A (NM_001322832.2, NM_002247.4); c.2982+3G>A (NM_001322829.2, NM_001322836.2); c.2985+3G>A (NM_001014797.3); c.3066+3G>A (NM_001322835.2, NM_001322837.2); c.3075+3G>A (NM_001322830.2); c.2520+3G>A (NM_001322838.2); c.3096+3G>A (NM_001161353.2); and 1 more.
Identifiers: ClinVar variation 1348673 (VCV001348673.6), dbSNP rs1371574005, ClinGen allele CA594608406.